The following is an entry in ClinVar:

NM_000257.4(MYH7):c.4941G>C (p.Gln1647His)

Genes: MHRT (myosin heavy chain associated RNA transcript; plus strand), MYH7 (myosin heavy chain 7; minus strand), LOC126861897 (BRD4-independent group 4 enhancer GRCh37_chr14:23884455-23885654; plus strand). Cytogenetic location: 14q11.2.
Variant type: single nucleotide variant.
Coding change: c.4941G>C on transcript NM_000257.4 (MANE Select); coding-DNA position 4941, G replaced by C.
Protein change: p.Gln1647His; replaces glutamine 1647 with histidine.
Molecular consequence: missense variant. On other transcripts: non-coding transcript variant (1).
Genome position (GRCh38, 1-based): chr14:23,416,016, C>G on the plus strand (G>C on the coding strand, the complement: MYH7 is on the minus strand). VCF-style: chr14-23416016-C-G. GRCh37 (hg19) VCF-style: chr14-23885225-C-G.
Other names: short protein forms Q1647H.
Identifiers: ClinVar variation 1039123 (VCV001039123.11), dbSNP rs749154313, ClinGen allele CA044255.

ClinVar aggregate classification (germline): Uncertain significance. Review status: criteria provided, multiple submitters, no conflicts (2 of 4 stars). 2 submissions from 2 submitters: Uncertain significance (2). Last evaluated 2024-02-22.

Conditions:
Cardiomyopathy (CMYO). Also called: Cardiomyopathies. Identifiers: Orphanet 167848, MedGen C0878544, MONDO:0004994, HP:0001638. Inheritance: Various modes of inheritance.
Hypertrophic cardiomyopathy. Also called: HYPERTROPHIC MYOCARDIOPATHY. Identifiers: Orphanet 217569, MedGen C0007194, MeSH D002312, MONDO:0005045, HP:0001639.

Allele frequency attached by ClinVar (database versions not stated): ExAC 0.00001; gnomAD exomes 0.00001.
gnomAD v4.1: 6 of 1,614,202 alleles (0.00037%); highest among the groups gnomAD compares: East Asian, 0.011%; no homozygotes.

Submissions (2):

All of Us Research Program, National Institutes of Health
Classification: Uncertain significance for Cardiomyopathy. Last evaluated: 2024-02-22. Review status: criteria provided, single submitter. Criteria: ACMG Guidelines, 2015. Collection method: clinical testing. Allele origin: germline. Inheritance: Autosomal dominant inheritance. Observed: 2 variant alleles, 2 heterozygotes.
Comment: This missense variant replaces glutamine with histidine at codon 1647 of the MYH7 protein. Computational prediction is inconclusive regarding the impact of this variant on protein structure and function (internally defined REVEL score threshold 0.5 < inconclusive < 0.7, PMID: 27666373). To our knowledge, functional studies have not been reported for this variant. This variant has been reported in an individual affected with hypertrophic cardiomyopathy (PMID: 23283745). This variant has been identified in 3/251324 chromosomes in the general population by the Genome Aggregation Database (gnomAD). The available evidence is insufficient to determine the role of this variant in disease conclusively. Therefore, this variant is classified as a Variant of Uncertain Significance.

This study involves interpretation of variants in research participants for the purpose of population health screening. Participant phenotype was not available at the time of variant classification. Additional details can be found in publication PMID: 35346344, PMCID: PMC8962531

Labcorp Genetics (formerly Invitae), Labcorp
Classification: Uncertain significance for Hypertrophic cardiomyopathy. Last evaluated: 2023-08-24. Review status: criteria provided, single submitter. Criteria: Invitae Variant Classification Sherloc (09022015). Collection method: clinical testing. Allele origin: germline.
Comment: In summary, the available evidence is currently insufficient to determine the role of this variant in disease. Therefore, it has been classified as a Variant of Uncertain Significance. Advanced modeling of protein sequence and biophysical properties (such as structural, functional, and spatial information, amino acid conservation, physicochemical variation, residue mobility, and thermodynamic stability) has been performed at Invitae for this missense variant, however the output from this modeling did not meet the statistical confidence thresholds required to predict the impact of this variant on MYH7 protein function. ClinVar contains an entry for this variant (Variation ID: 1039123). This missense change has been observed in individual(s) with hypertrophic cardiomyopathy (PMID: 23283745). This variant is present in population databases (rs749154313, gnomAD 0.02%). This sequence change replaces glutamine, which is neutral and polar, with histidine, which is basic and polar, at codon 1647 of the MYH7 protein (p.Gln1647His).

Literature cited by the submitters: PubMed 23283745 (cited by All of Us Research Program, National Institutes of Health and Labcorp Genetics (formerly Invitae), Labcorp).